The following is an entry in ClinVar:

ClinVar aggregate classification (germline): Uncertain significance. Review status: criteria provided, multiple submitters, no conflicts (2 of 4 stars). 5 submissions from 5 submitters: Uncertain significance (5). Last evaluated 2025-09-03.

Conditions:
Hereditary diffuse gastric adenocarcinoma (HDGC). Also called: DIFFUSE GASTRIC AND LOBULAR BREAST CANCER SYNDROME. Identifiers: Orphanet 26106, MedGen C1708349, MONDO:0007648, OMIM 137215.
Hereditary cancer-predisposing syndrome. Also called: Hereditary neoplastic syndrome; Neoplastic Syndromes, Hereditary; Hereditary Cancer Syndrome; Tumor predisposition. Identifiers: Orphanet 140162, MedGen C0027672, MeSH D009386, MONDO:0015356.

Allele frequency attached by ClinVar (database versions not stated): gnomAD exomes 0.00001.
gnomAD v4.1: 11 of 1,614,138 alleles (0.00068%); highest among the groups gnomAD compares: African/African-American, 0.0013%; no homozygotes.

Submissions (5):

Ambry Genetics
Classification: Uncertain significance for Hereditary cancer-predisposing syndrome. Last evaluated: 2025-09-03. Review status: criteria provided, single submitter. Criteria: Ambry Variant Classification Scheme 2023. Collection method: clinical testing. Allele origin: germline.
Comment: The p.D750N variant (also known as c.2248G>A), located in coding exon 14 of the CDH1 gene, results from a G to A substitution at nucleotide position 2248. The aspartic acid at codon 750 is replaced by asparagine, an amino acid with highly similar properties. This alteration has been reported in 2 different individuals with hereditary diffuse gastric cancer (HDGC) (Hansford S et al. JAMA Oncol, 2015 Apr;1:23-32; Mi EZ et al. Gastrointest. Endosc., 2018 02;87:408-418). This amino acid position is highly conserved in available vertebrate species. In addition, the in silico prediction for this alteration is inconclusive. Based on the available evidence, the clinical significance of this variant remains unclear.

Labcorp Genetics (formerly Invitae), Labcorp
Classification: Uncertain significance for Hereditary diffuse gastric adenocarcinoma. Last evaluated: 2023-12-31. Review status: criteria provided, single submitter. Criteria: Invitae Variant Classification Sherloc (09022015). Collection method: clinical testing. Allele origin: germline.
Comment: This sequence change replaces aspartic acid, which is acidic and polar, with asparagine, which is neutral and polar, at codon 750 of the CDH1 protein (p.Asp750Asn). This variant is not present in population databases (gnomAD no frequency). This missense change has been observed in individual(s) with hereditary diffuse gastric cancer (PMID: 28688938, 36436516, 36509094). ClinVar contains an entry for this variant (Variation ID: 569585). An algorithm developed to predict the effect of missense changes on protein structure and function (PolyPhen-2) suggests that this variant is likely to be disruptive. In summary, the available evidence is currently insufficient to determine the role of this variant in disease. Therefore, it has been classified as a Variant of Uncertain Significance.

European Reference Network on Genetic Tumour Risk Syndromes (ERN-GENTURIS), i3s - Instituto de Investigação e Inovação em Saúde, University of Porto
Classification: Uncertain significance for Hereditary diffuse gastric adenocarcinoma. Last evaluated: 2022-08-01. Review status: criteria provided, single submitter. Criteria: Lee et al. (Hum Mutat. 2018). Collection method: clinical testing. Allele origin: germline. Inheritance: Autosomal dominant inheritance. Affected: yes. Study: ERN GENTURIS.
Comment: PS4_Supporting; PM2 (PMID: 30311375)

GeneDx
Classification: Uncertain significance. Last evaluated: 2019-09-06. Review status: criteria provided, single submitter. Criteria: GeneDx Variant Classification Process June 2021. Collection method: clinical testing. Allele origin: germline. Affected: yes.
Comment: Not observed in large population cohorts (Lek 2016); In silico analysis, which includes protein predictors and evolutionary conservation, supports a deleterious effect; Observed in at least one family with history consistent with pathogenic variants in this gene (Hansford 2015, Mi 2017); This variant is associated with the following publications: (PMID: 26182300, 28688938)

Color Diagnostics, LLC DBA Color Health
Classification: Uncertain significance for Hereditary cancer-predisposing syndrome. Last evaluated: 2019-06-20. Review status: criteria provided, single submitter. Criteria: ACMG Guidelines, 2015. Collection method: clinical testing. Allele origin: germline.

Literature cited by the submitters: PubMed 26182300 (cited by Ambry Genetics); PubMed 28688938 (cited by 3 submitters); PubMed 36436516 (cited by Labcorp Genetics (formerly Invitae), Labcorp and European Reference Network on Genetic Tumour Risk Syndromes (ERN-GENTURIS), i3s - Instituto de Investigação e Inovação em Saúde, University of Porto); PubMed 36509094 (cited by Labcorp Genetics (formerly Invitae), Labcorp).

NM_004360.5(CDH1):c.2248G>A (p.Asp750Asn)

Gene: CDH1 (cadherin 1; plus strand). Cytogenetic location: 16q22.1.
Variant type: single nucleotide variant.
Coding change: c.2248G>A on transcript NM_004360.5 (MANE Select); coding-DNA position 2248, G replaced by A.
Protein change: p.Asp750Asn; replaces aspartic acid 750 with asparagine.
Molecular consequence: missense variant.
Genome position (GRCh38, 1-based): chr16:68,828,257, G>A. VCF-style: chr16-68828257-G-A. GRCh37 (hg19) VCF-style: chr16-68862160-G-A.
Other names: c.2248G>A (LRG_301t1); c.2065G>A, p.Asp689Asn (NM_001317184.2); c.700G>A, p.Asp234Asn (NM_001317185.2); c.283G>A, p.Asp95Asn (NM_001317186.2); short protein forms D750N, D234N, D689N, D95N.
Identifiers: ClinVar variation 569585 (VCV000569585.19), dbSNP rs1567515435, ClinGen allele CA396469810.